The following is an entry in ClinVar:

NM_001365999.1(SZT2):c.338C>T (p.Thr113Ile)

Gene: SZT2 (SZT2 subunit of KICSTOR complex; plus strand). Cytogenetic location: 1p34.2.
Variant type: single nucleotide variant.
Coding change: c.338C>T on transcript NM_001365999.1 (MANE Select); coding-DNA position 338, C replaced by T.
Protein change: p.Thr113Ile; replaces threonine 113 with isoleucine.
Molecular consequence: missense variant.
Genome position (GRCh38, 1-based): chr1:43,404,390, C>T. VCF-style: chr1-43404390-C-T. GRCh37 (hg19) VCF-style: chr1-43870061-C-T.
Other names: c.338C>T, p.Thr113Ile (NM_015284.4); short protein forms T113I.
Identifiers: ClinVar variation 1372416 (VCV001372416.5), dbSNP rs779563217, ClinGen allele CA808148.

ClinVar aggregate classification (germline): Uncertain significance (1 of 4 stars; one submission).

Allele frequency attached by ClinVar (database versions not stated): ExAC 0.00002; gnomAD exomes 0.00002 and 0.00004; TOPMed 0.00002.
gnomAD v4.1: 11 of 1,612,976 alleles (0.00068%); highest among the groups gnomAD compares: Admixed American, 0.018%; no homozygotes.

Submission:

Labcorp Genetics (formerly Invitae), Labcorp
Classification: Uncertain significance. Last evaluated: 2022-08-23. Review status: criteria provided, single submitter. Criteria: Invitae Variant Classification Sherloc (09022015). Collection method: clinical testing. Allele origin: germline.
Comment: This sequence change replaces threonine, which is neutral and polar, with isoleucine, which is neutral and non-polar, at codon 113 of the SZT2 protein (p.Thr113Ile). This variant is present in population databases (rs779563217, gnomAD 0.03%). This missense change has been observed in individual(s) with a severe developmental disorder (PMID: 28135719). ClinVar contains an entry for this variant (Variation ID: 1372416). Algorithms developed to predict the effect of missense changes on protein structure and function are either unavailable or do not agree on the potential impact of this missense change (SIFT: "Deleterious"; PolyPhen-2: "Possibly Damaging"; Align-GVGD: "Class C0"). In summary, the available evidence is currently insufficient to determine the role of this variant in disease. Therefore, it has been classified as a Variant of Uncertain Significance.

Literature cited by the submitters: PubMed 28135719.